The following is an entry in ClinVar:

ClinVar aggregate classification (germline): Uncertain significance. Review status: criteria provided, multiple submitters, no conflicts (2 of 4 stars). 3 submissions from 3 submitters: Uncertain significance (3). Last evaluated 2023-12-10.

Conditions:
Inborn genetic diseases. Identifiers: MedGen C0950123, MeSH D030342.
Finnish type amyloidosis. Also called: AMYLOID CRANIAL NEUROPATHY WITH LATTICE CORNEAL DYSTROPHY; AMYLOIDOSIS DUE TO MUTANT GELSOLIN; Amyloidosis, familial, Finnish type; Meretoja type amyloidosis; Amyloidosis 5; Lattice corneal dystrophy associated with familial systemic amyloidosis. Identifiers: Orphanet 85448, MedGen C1622345, MONDO:0007097, OMIM 105120.

Allele frequency attached by ClinVar (database versions not stated): gnomAD exomes 0.00001; ExAC 0.00003; gnomAD 0.00012; ESP Exome Variant Server 0.00015; TOPMed 0.00016.
gnomAD v4.1: 27 of 1,611,474 alleles (0.0017%); highest among the groups gnomAD compares: African/African-American, 0.036%; no homozygotes.

Submissions (3):

Labcorp Genetics (formerly Invitae), Labcorp
Classification: Uncertain significance. Last evaluated: 2023-12-10. Review status: criteria provided, single submitter. Criteria: Invitae Variant Classification Sherloc (09022015). Collection method: clinical testing. Allele origin: germline.
Comment: This sequence change replaces glutamine, which is neutral and polar, with arginine, which is basic and polar, at codon 448 of the GSN protein (p.Gln448Arg). This variant is present in population databases (rs368537807, gnomAD 0.03%). This variant has not been reported in the literature in individuals affected with GSN-related conditions. ClinVar contains an entry for this variant (Variation ID: 1447871). An algorithm developed to predict the effect of missense changes on protein structure and function (PolyPhen-2) suggests that this variant is likely to be tolerated. In summary, the available evidence is currently insufficient to determine the role of this variant in disease. Therefore, it has been classified as a Variant of Uncertain Significance.

Fulgent Genetics
Classification: Uncertain significance for Finnish type amyloidosis. Last evaluated: 2022-02-10. Review status: criteria provided, single submitter. Criteria: ACMG Guidelines, 2015. Collection method: clinical testing. Allele origin: unknown.

Ambry Genetics
Classification: Uncertain significance for Inborn genetic diseases. Last evaluated: 2019-08-30. Review status: criteria provided, single submitter. Criteria: Ambry Variant Classification Scheme 2023. Collection method: clinical testing. Allele origin: germline.
Comment: The p.Q448R variant (also known as c.1343A>G), located in coding exon 9 of the GSN gene, results from an A to G substitution at nucleotide position 1343. The glutamine at codon 448 is replaced by arginine, an amino acid with highly similar properties. This amino acid position is highly conserved in available vertebrate species. In addition, the in silico prediction for this alteration is inconclusive. Since supporting evidence is limited at this time, the clinical significance of this alteration remains unclear.

NM_198252.3(GSN):c.1190A>G (p.Gln397Arg)

Gene: GSN (gelsolin; plus strand). Cytogenetic location: 9q33.2.
Variant type: single nucleotide variant.
Coding change: c.1190A>G on transcript NM_198252.3 (MANE Select); coding-DNA position 1190, A replaced by G.
Protein change: p.Gln397Arg; replaces glutamine 397 with arginine.
Molecular consequence: missense variant.
Genome position (GRCh38, 1-based): chr9:121,318,879, A>G. VCF-style: chr9-121318879-A-G. GRCh37 (hg19) VCF-style: chr9-124081157-A-G.
Other names: c.1343A>G, p.Gln448Arg (NM_000177.5); c.1190A>G, p.Gln397Arg (NM_001127662.2, NM_001127664.2, NM_001127665.2 and 10 more transcripts); c.1298A>G, p.Gln433Arg (NM_001127663.2); c.1223A>G, p.Gln408Arg (NM_001127666.2, NM_001127667.2, NM_001353063.2 and 13 more transcripts); c.1241A>G, p.Gln414Arg (NM_001258029.2); c.1214A>G, p.Gln405Arg (NM_001258030.2); c.1262A>G, p.Gln421Arg (NM_001353076.2); c.536A>G, p.Gln179Arg (NM_001353078.2); short protein forms Q405R, Q433R, Q397R, Q414R, Q448R, Q179R, Q408R, Q421R.
Identifiers: ClinVar variation 1447871 (VCV001447871.9), dbSNP rs368537807, ClinGen allele CA5221162.